The following is an entry in ClinVar:

NM_000501.4(ELN):c.643+1G>A

Gene: ELN (elastin; plus strand). Cytogenetic location: 7q11.23.
Variant type: single nucleotide variant.
Coding change: c.643+1G>A on transcript NM_000501.4 (MANE Select); the canonical splice donor site of the intron after coding-DNA position 643, G replaced by A.
Molecular consequence: splice donor variant.
Genome position (GRCh38, 1-based): chr7:74,046,768, G>A. VCF-style: chr7-74046768-G-A. GRCh37 (hg19) VCF-style: chr7-73461098-G-A.
Other names: c.658+1G>A (NM_001081754.3, NM_001081753.3); c.643+1G>A (NM_001278939.2, NM_001278915.2, NM_001278912.2 and 2 more transcripts); c.613+1G>A (NM_001081752.3, NM_001278917.2); c.511+1G>A (NM_001278918.2); c.577+1G>A (NM_001278913.2); c.628+1G>A (NM_001278914.2).
Identifiers: ClinVar variation 429600 (VCV000429600.3), dbSNP rs1131691482, ClinGen allele CA367870346.

ClinVar aggregate classification (germline): Pathogenic/Likely pathogenic. Review status: criteria provided, multiple submitters, no conflicts (2 of 4 stars). 2 submissions from 2 submitters: Pathogenic (1); Likely pathogenic (1). Last evaluated 2023-06-09.

Submissions (2):

Institute for Clinical Genetics, University Hospital TU Dresden, University Hospital TU Dresden
Classification: Pathogenic. Last evaluated: 2023-06-09. Review status: criteria provided, single submitter. Criteria: ACMG Guidelines, 2015. Collection method: clinical testing. Allele origin: paternal.
Comment: PM2_SUP, PVS1, PP4, PP5

GeneDx
Classification: Likely pathogenic. Last evaluated: 2015-09-29. Review status: criteria provided, single submitter. Criteria: GeneDx Variant Classification (06012015). Collection method: clinical testing. Allele origin: germline. Affected: yes.
Comment: The c.643+1 G>A likely pathogenic variant variant has not been published as a pathogenic variant, nor has it been reported as a benign variant to our knowledge. The c.643+1 G>A variant was not observed in approximately 6,500 individuals of European and African American ancestry in the NHLBI Exome Sequencing Project, indicating it is not a common benign variant in these populations. The c.643+1 G>A splice site variant in the ELN gene destroys the canonical splice donor site in intron 12. It is predicted to cause abnormal gene splicing, either leading to an abnormal message that is subject to nonsense-mediated mRNA decay, or to an abnormal protein product if the message is used for protein translation. Other splice site and loss of function variants have been reported in HGMD (Stenson et al., 2014).